The following is an entry in ClinVar:

NM_001081550.2(THOC2):c.3508T>C (p.Ser1170Pro)

Gene: THOC2 (THO complex subunit 2; minus strand). Cytogenetic location: Xq25.
Variant type: single nucleotide variant.
Coding change: c.3508T>C on transcript NM_001081550.2 (MANE Select); coding-DNA position 3508, T replaced by C.
Protein change: p.Ser1170Pro; replaces serine 1170 with proline.
Molecular consequence: missense variant.
Genome position (GRCh38, 1-based): chrX:123,623,279, A>G on the plus strand (T>C on the coding strand, the complement: THOC2 is on the minus strand). VCF-style: chrX-123623279-A-G. GRCh37 (hg19) VCF-style: chrX-122757130-A-G.
Other names: short protein forms S1170P.
Identifiers: ClinVar variation 1194661 (VCV001194661.4), dbSNP rs1569335121, ClinGen allele CA414263932.
Genomic context (GRCh38, chrX:123,623,279, plus strand): 5'-CTTTGTGATGAAACTCATTTTCAGGTATCATGTATGACTTTCTACTTTTCAACTGCCCAG[A>G]GTAGCTGAAAGTCGCACAAAGTGTTTAAATATACAAACACAAATCAAAAAACATAAACAT-3'
Protein context (NP_001075019.1, residues 1160-1180): PDLYALAMGY[Ser1170Pro]GQLKSRKSYM

ClinVar aggregate classification (germline): Uncertain significance (1 of 4 stars; one submission).

Submission:

GeneDx
Classification: Uncertain significance. Last evaluated: 2022-08-12. Review status: criteria provided, single submitter. Criteria: GeneDx Variant Classification Process June 2021. Collection method: clinical testing. Allele origin: germline. Affected: yes.
Comment: Not observed at significant frequency in large population cohorts (gnomAD); In silico analysis, which includes protein predictors and evolutionary conservation, supports a deleterious effect; Has not been previously published as pathogenic or benign to our knowledge